The following is an entry in ClinVar:

ClinVar aggregate classification (germline): Likely benign. Review status: criteria provided, multiple submitters, no conflicts (2 of 4 stars). 2 submissions from 2 submitters: Likely benign (2). Last evaluated 2022-12-01.

Conditions:
Inborn genetic diseases. Identifiers: MedGen C0950123, MeSH D030342.

Allele frequency attached by ClinVar (database versions not stated): TOPMed 0.00002; gnomAD 0.00003; ExAC 0.00007.

Submissions (2):

CeGaT Center for Human Genetics Tuebingen
Classification: Likely benign. Last evaluated: 2022-12-01. Review status: criteria provided, single submitter. Criteria: CeGaT Center For Human Genetics Tuebingen Variant Classification Criteria Version 2. Collection method: clinical testing. Allele origin: germline. Affected: yes. Observed: 1 variant allele.
Comment: BRPF1: BP4

Ambry Genetics
Classification: Likely benign for Inborn genetic diseases. Last evaluated: 2022-10-26. Review status: criteria provided, single submitter. Criteria: Ambry Variant Classification Scheme 2023. Collection method: clinical testing. Allele origin: germline.

NM_001003694.2(BRPF1):c.3193G>A (p.Val1065Met)

Gene: BRPF1 (bromodomain and PHD finger containing 1; plus strand). Cytogenetic location: 3p25.3.
Variant type: single nucleotide variant.
Coding change: c.3193G>A on transcript NM_001003694.2 (MANE Select); coding-DNA position 3193, G replaced by A.
Protein change: p.Val1065Met; replaces valine 1065 with methionine.
Molecular consequence: missense variant. On other transcripts: non-coding transcript variant (1).
Genome position (GRCh38, 1-based): chr3:9,745,697, G>A. VCF-style: chr3-9745697-G-A. GRCh37 (hg19) VCF-style: chr3-9787381-G-A.
Other names: c.2890G>A, p.Val964Met (NM_001319049.2); c.3172G>A, p.Val1058Met (NM_001319050.2); c.3190G>A, p.Val1064Met (NM_001410704.1); c.3175G>A, p.Val1059Met (NM_004634.3); short protein forms V1065M, V1058M, V964M, V1064M, V1059M.
Identifiers: ClinVar variation 2412577 (VCV002412577.26), dbSNP rs766950626, ClinGen allele CA2242333.
Genomic context (GRCh38, chr3:9,745,697, plus strand): 5'-AGCAGTGAGGATACCTCAGGCACTGAGAATGAGGCCTACTCCGTGGGCACTGGCCGCGGC[G>A]TGGGCCACAGCAGTAAGTTCCCTTGCCCAAGGCCAGGGATGCTGGGGACCCAGTGTCAGG-3'
Protein context (NP_001003694.1, residues 1055-1075): EAYSVGTGRG[Val1065Met]GHSMVRKSLG